The following is an entry in ClinVar:

NM_001134407.3(GRIN2A):c.1741C>T (p.Pro581Ser)

Gene: GRIN2A (glutamate ionotropic receptor NMDA type subunit 2A; minus strand). Cytogenetic location: 16p13.2.
Variant type: single nucleotide variant.
Coding change: c.1741C>T on transcript NM_001134407.3 (MANE Select); coding-DNA position 1741, C replaced by T.
Protein change: p.Pro581Ser; replaces proline 581 with serine.
Molecular consequence: missense variant.
Genome position (GRCh38, 1-based): chr16:9,834,141, G>A on the plus strand (C>T on the coding strand, the complement: GRIN2A is on the minus strand). VCF-style: chr16-9834141-G-A. GRCh37 (hg19) VCF-style: chr16-9927998-G-A.
Other names: c.1741C>T, p.Pro581Ser (NM_000833.5, NM_001134408.2); short protein forms P581S.
Identifiers: ClinVar variation 3649681 (VCV003649681.2).

ClinVar aggregate classification (germline): Uncertain significance (1 of 4 stars; one submission).

Conditions:
Landau-Kleffner syndrome (FESD). Also called: EPILEPSY, FOCAL, WITH SPEECH DISORDER AND WITH OR WITHOUT MENTAL RETARDATION; APHASIA, ACQUIRED, WITH EPILEPSY. Identifiers: Orphanet 1945, Orphanet 725, Orphanet 98818, MedGen C0282512, MONDO:0009509, OMIM 245570.

Submission:

Labcorp Genetics (formerly Invitae), Labcorp
Classification: Uncertain significance for Landau-Kleffner syndrome. Last evaluated: 2024-04-12. Review status: criteria provided, single submitter. Criteria: Invitae Variant Classification Sherloc (09022015). Collection method: clinical testing. Allele origin: germline.
Comment: This sequence change replaces proline, which is neutral and non-polar, with serine, which is neutral and polar, at codon 581 of the GRIN2A protein (p.Pro581Ser). This variant is not present in population databases (gnomAD no frequency). This variant has not been reported in the literature in individuals affected with GRIN2A-related conditions. Advanced modeling of protein sequence and biophysical properties (such as structural, functional, and spatial information, amino acid conservation, physicochemical variation, residue mobility, and thermodynamic stability) performed at Invitae indicates that this missense variant is expected to disrupt GRIN2A protein function with a positive predictive value of 95%. In summary, the available evidence is currently insufficient to determine the role of this variant in disease. Therefore, it has been classified as a Variant of Uncertain Significance.